The following is an entry in ClinVar:

ClinVar aggregate classification (germline): Pathogenic/Likely pathogenic. Review status: criteria provided, multiple submitters, no conflicts (2 of 4 stars). 2 submissions from 2 submitters: Pathogenic (1); Likely pathogenic (1). Last evaluated 2023-09-06.

Conditions:
Dextro-looped transposition of the great arteries. Also called: Dextrotransposition of the great arteries. Identifiers: Orphanet 860, MedGen C3531771, MONDO:0019443, OMIM 608808, HP:0031348.

Submissions (2):

GeneDx
Classification: Likely pathogenic. Last evaluated: 2023-09-06. Review status: criteria provided, single submitter. Criteria: GeneDx Variant Classification Process June 2021. Collection method: clinical testing. Allele origin: germline. Affected: yes.
Comment: De novo variant in an individual with autism spectrum disorder; additional clinical information was not provided (Takata et al., 2018); Not observed at significant frequency in large population cohorts (gnomAD); In silico analysis supports that this missense variant has a deleterious effect on protein structure/function; This variant is associated with the following publications: (PMID: 29346770)

Labcorp Genetics (formerly Invitae), Labcorp
Classification: Pathogenic for Dextro-looped transposition of the great arteries. Last evaluated: 2023-08-17. Review status: criteria provided, single submitter. Criteria: Invitae Variant Classification Sherloc (09022015). Collection method: clinical testing. Allele origin: germline.
Comment: This variant is not present in population databases (gnomAD no frequency). This missense change has been observed in individual(s) with clinical features of MED13L-related conditions (PMID: 29346770; Invitae). In at least one individual the variant was observed to be de novo. Advanced modeling of protein sequence and biophysical properties (such as structural, functional, and spatial information, amino acid conservation, physicochemical variation, residue mobility, and thermodynamic stability) performed at Invitae indicates that this missense variant is expected to disrupt MED13L protein function. This variant disrupts the p.Pro2094 amino acid residue in MED13L. Other variant(s) that disrupt this residue have been observed in individuals with MED13L-related conditions (PMID: 31618753), which suggests that this may be a clinically significant amino acid residue. For these reasons, this variant has been classified as Pathogenic. This sequence change replaces proline, which is neutral and non-polar, with serine, which is neutral and polar, at codon 2094 of the MED13L protein (p.Pro2094Ser).

Literature cited by the submitters: PubMed 29346770 (cited by Labcorp Genetics (formerly Invitae), Labcorp); PubMed 31618753 (cited by Labcorp Genetics (formerly Invitae), Labcorp).

NM_015335.5(MED13L):c.6280C>T (p.Pro2094Ser)

Gene: MED13L (mediator complex subunit 13L; minus strand). Cytogenetic location: 12q24.21.
Variant type: single nucleotide variant.
Coding change: c.6280C>T on transcript NM_015335.5 (MANE Select); coding-DNA position 6280, C replaced by T.
Protein change: p.Pro2094Ser; replaces proline 2094 with serine.
Molecular consequence: missense variant.
Genome position (GRCh38, 1-based): chr12:115,966,189, G>A on the plus strand (C>T on the coding strand, the complement: MED13L is on the minus strand). VCF-style: chr12-115966189-G-A. GRCh37 (hg19) VCF-style: chr12-116403994-G-A.
Other names: short protein forms P2094S.
Identifiers: ClinVar variation 2579461 (VCV002579461.4), dbSNP rs1555240376, ClinGen allele CA386874811.
Genomic context (GRCh38, chr12:115,966,189, plus strand): 5'-AAAACCACTGGGGAAGATTCTCAGCTTTGGCAGTTGATACAAAATACCCAAGGGCCAGGG[G>A]CTGCTGCTTTAGCTCCTCTGGTGCTTCTCTAGAAAGAAGACGCTCACCCTGGCTCTGAAA-3'
Protein context (NP_056150.1, residues 2084-2104): REAPEELKQQ[Pro2094Ser]LALGYFVSTA